The following is an entry in ClinVar:

ClinVar aggregate classification (germline): Pathogenic/Likely pathogenic. Review status: criteria provided, multiple submitters, no conflicts (2 of 4 stars). 6 submissions from 6 submitters: Pathogenic (2); Likely pathogenic (4). Last evaluated 2024-10-28.

Conditions:
Developmental and epileptic encephalopathy 92. Also called: EPILEPTIC ENCEPHALOPATHY, INFANTILE OR EARLY CHILDHOOD, 2. Identifiers: MedGen C4693362, MONDO:0020631, OMIM 617829.
Seizure. Also called: Seizures. Identifiers: MedGen C0036572, HP:0001250.
Intellectual disability. Also called: Intellectual developmental disorder; Intellectual functioning disability; intellectual disabilities. Identifiers: MedGen C3714756, MeSH D008607, MONDO:0001071, HP:0001249.

gnomAD v4.1: 1 of 1,604,886 alleles (0.000062%); highest among the groups gnomAD compares: Non-Finnish European, 0.000085%; no homozygotes.

Submissions (6):

Labcorp Genetics (formerly Invitae), Labcorp
Classification: Likely pathogenic for Intellectual disability. Last evaluated: 2024-10-28. Review status: criteria provided, single submitter. Criteria: Invitae Variant Classification Sherloc (09022015). Collection method: clinical testing. Allele origin: germline.
Comment: This sequence change replaces arginine, which is basic and polar, with tryptophan, which is neutral and slightly polar, at codon 293 of the GABRB2 protein (p.Arg293Trp). This variant is not present in population databases (gnomAD no frequency). This missense change has been observed in individual(s) with clinical features of GABRB2-related conditions and/or developmental and epileptic encephalopathy (PMID: 27622563, 32533790, 33325057). ClinVar contains an entry for this variant (Variation ID: 464940). Invitae Evidence Modeling of protein sequence and biophysical properties (such as structural, functional, and spatial information, amino acid conservation, physicochemical variation, residue mobility, and thermodynamic stability) indicates that this missense variant is expected to disrupt GABRB2 protein function with a positive predictive value of 95%. Experimental studies have shown that this missense change affects GABRB2 function (PMID: 27622563). This variant disrupts the p.Arg293 amino acid residue in GABRB2. Other variant(s) that disrupt this residue have been determined to be pathogenic (PMID: 29100083). This suggests that this residue is clinically significant, and that variants that disrupt this residue are likely to be disease-causing. In summary, the currently available evidence indicates that the variant is pathogenic, but additional data are needed to prove that conclusively. Therefore, this variant has been classified as Likely Pathogenic.

Cytogénomique, Hospices Civils de Lyon
Classification: Pathogenic for Seizures. Last evaluated: 2023-11-27. Review status: criteria provided, single submitter. Criteria: ACMG Guidelines, 2015. Collection method: clinical testing. Allele origin: unknown. Affected: yes. Observed: 1 variant allele, 1 compound heterozygote.

Institute of Medical Genetics and Applied Genomics, University Hospital Tübingen
Classification: Likely pathogenic for Developmental and epileptic encephalopathy 92. Last evaluated: 2023-08-16. Review status: criteria provided, single submitter. Criteria: ACMG Guidelines, 2015. Collection method: clinical testing. Allele origin: germline. Inheritance: Autosomal dominant inheritance. Affected: yes.

GeneDx
Classification: Likely pathogenic. Last evaluated: 2022-10-19. Review status: criteria provided, single submitter. Criteria: GeneDx Variant Classification Process June 2021. Collection method: clinical testing. Allele origin: germline. Affected: yes.
Comment: Reported in individuals with epilepsy and epileptic encephalopathy in published literature (Alsubaie et al., 2020; El Achkar et al., 2021; Hernandez et al., 2016; Klassen et al., 2011); Published functional studies suggest a damaging effect on structure and gating properties (Hernandez et al., 2016); Not observed at significant frequency in large population cohorts (gnomAD); In silico analysis supports that this missense variant has a deleterious effect on protein structure/function; This variant is associated with the following publications: (PMID: 30851244, 33325057, 21703448, 29100083, 32533790, 27622563)

Mendelics
Classification: Likely pathogenic for Developmental and epileptic encephalopathy 92. Last evaluated: 2022-05-04. Review status: criteria provided, single submitter. Criteria: Mendelics Assertion Criteria 2019. Collection method: clinical testing. Allele origin: germline.

Institute of Human Genetics Munich, TUM University Hospital
Classification: Pathogenic for Developmental and epileptic encephalopathy 92. Last evaluated: 2022-04-19. Review status: criteria provided, single submitter. Criteria: Classification criteria August 2017. Collection method: clinical testing. Allele origin: de novo. Inheritance: Autosomal dominant inheritance. Affected: yes. Observed: 1 variant allele.

Literature cited by the submitters: PubMed 27622563 (cited by Labcorp Genetics (formerly Invitae), Labcorp); PubMed 32533790 (cited by Labcorp Genetics (formerly Invitae), Labcorp); PubMed 33325057 (cited by Labcorp Genetics (formerly Invitae), Labcorp); PubMed 29100083 (cited by Labcorp Genetics (formerly Invitae), Labcorp).

NM_001371727.1(GABRB2):c.877C>T (p.Arg293Trp)

Gene: GABRB2 (gamma-aminobutyric acid type A receptor subunit beta2; minus strand). Cytogenetic location: 5q34.
Variant type: single nucleotide variant.
Coding change: c.877C>T on transcript NM_001371727.1 (MANE Select); coding-DNA position 877, C replaced by T.
Protein change: p.Arg293Trp; replaces arginine 293 with tryptophan.
Molecular consequence: missense variant.
Genome position (GRCh38, 1-based): chr5:161,331,083, G>A on the plus strand (C>T on the coding strand, the complement: GABRB2 is on the minus strand). VCF-style: chr5-161331083-G-A. GRCh37 (hg19) VCF-style: chr5-160758090-G-A.
Other names: c.877C>T, p.Arg293Trp (NM_000813.3, NM_021911.3); short protein forms R293W.
Identifiers: ClinVar variation 464940 (VCV000464940.18), dbSNP rs1554093891, ClinGen allele CA362175431.